The following is an entry in ClinVar:

ClinVar aggregate classification (germline): Uncertain significance. Review status: criteria provided, multiple submitters, no conflicts (2 of 4 stars). 2 submissions from 2 submitters: Uncertain significance (2). Last evaluated 2025-04-07.

Conditions:
Cardiovascular phenotype. Identifiers: MedGen CN230736.
Hereditary cancer-predisposing syndrome. Also called: Neoplastic Syndromes, Hereditary; Tumor predisposition; Hereditary neoplastic syndrome; Hereditary Cancer Syndrome. Identifiers: Orphanet 140162, MedGen C0027672, MeSH D009386, MONDO:0015356.

Submissions (2):

GeneDx
Classification: Uncertain significance. Last evaluated: 2025-04-07. Review status: criteria provided, single submitter. Criteria: GeneDx Variant Classification Process June 2021. Collection method: clinical testing. Allele origin: germline.
Comment: Not observed at significant frequency in large population cohorts (gnomAD); In silico analysis indicates that this missense variant does not alter protein structure/function; Has not been previously published as pathogenic or benign to our knowledge; This variant is associated with the following publications: (PMID: 25486365, 2121369)

Ambry Genetics
Classification: Uncertain significance for Cardiovascular phenotype; Hereditary cancer-predisposing syndrome. Last evaluated: 2020-07-01. Review status: criteria provided, single submitter. Criteria: Ambry Variant Classification Scheme 2023. Collection method: clinical testing. Allele origin: germline.
Comment: The p.Q1010H variant (also known as c.3030A>T), located in coding exon 23 of the NF1 gene, results from an A to T substitution at nucleotide position 3030. The glutamine at codon 1010 is replaced by histidine, an amino acid with highly similar properties. This amino acid position is highly conserved in available vertebrate species. In addition, this alteration is predicted to be tolerated by in silico analysis. Since supporting evidence is limited at this time, the clinical significance of this alteration remains unclear.

NM_001042492.3(NF1):c.3030A>T (p.Gln1010His)

Gene: NF1 (neurofibromin 1; plus strand). Cytogenetic location: 17q11.2.
Variant type: single nucleotide variant.
Coding change: c.3030A>T on transcript NM_001042492.3 (MANE Select); coding-DNA position 3030, A replaced by T.
Protein change: p.Gln1010His; replaces glutamine 1010 with histidine.
Molecular consequence: missense variant.
Genome position (GRCh38, 1-based): chr17:31,230,299, A>T. VCF-style: chr17-31230299-A-T. GRCh37 (hg19) VCF-style: chr17-29557317-A-T.
Other names: c.3030A>T, p.Gln1010His (NM_000267.4); short protein forms Q1010H.
Identifiers: ClinVar variation 1799034 (VCV001799034.4), dbSNP rs1405071456, ClinGen allele CA398986640.